The following is an entry in ClinVar:

ClinVar aggregate classification (germline): Conflicting classifications of pathogenicity. Review status: criteria provided, conflicting classifications (1 of 4 stars). 8 submissions from 8 submitters: Uncertain significance (5); Likely benign (2). 1 of the submissions does not count toward it. Last evaluated 2026-01-28.

Conditions:
Inborn genetic diseases. Identifiers: MedGen C0950123, MeSH D030342.
PKHD1-related disorder. Also called: PKHD1-related condition.
Polycystic kidney disease 4 (PKD4). Also called: POLYCYSTIC KIDNEY DISEASE 4 WITH OR WITHOUT POLYCYSTIC LIVER DISEASE; PKD3; Autosomal Recessive Polycystic Kidney Disease – PKHD1; POLYCYSTIC KIDNEY AND HEPATIC DISEASE 1; POLYCYSTIC KIDNEY DISEASE, INFANTILE, TYPE I. Identifiers: MedGen C4540575, MONDO:0033004, OMIM 263200.
Autosomal recessive polycystic kidney disease (ARPKD). Also called: AR polycystic kidney disease. Identifiers: Orphanet 731, Orphanet 8378, MedGen C0085548, MeSH D017044, MONDO:0009889.

Allele frequency attached by ClinVar (database versions not stated): gnomAD exomes 0.00004 and 0.00012; gnomAD 0.00008 and 0.00009; TOPMed 0.00008; ExAC 0.00012; ESP Exome Variant Server 0.00015.
gnomAD v4.1: 92 of 1,614,070 alleles (0.0057%); highest among the groups gnomAD compares: East Asian, 0.062%; no homozygotes.

Submissions (8):

Labcorp Genetics (formerly Invitae), Labcorp
Classification: Likely benign for Autosomal recessive polycystic kidney disease. Last evaluated: 2026-01-28. Review status: criteria provided, single submitter. Criteria: Invitae Variant Classification Sherloc (09022015). Collection method: clinical testing. Allele origin: germline.

Ambry Genetics
Classification: Likely benign for Inborn genetic diseases. Last evaluated: 2025-05-15. Review status: criteria provided, single submitter. Criteria: Ambry Variant Classification Scheme 2023. Collection method: clinical testing. Allele origin: germline.

GeneDx
Classification: Uncertain significance. Last evaluated: 2023-04-12. Review status: criteria provided, single submitter. Criteria: GeneDx Variant Classification Process June 2021. Collection method: clinical testing. Allele origin: germline. Affected: yes.
Comment: In silico analysis supports that this missense variant does not alter protein structure/function; This variant is associated with the following publications: (PMID: 36387797)

Victorian Clinical Genetics Services, Murdoch Childrens Research Institute
Classification: Uncertain significance for Polycystic kidney disease 4. Last evaluated: 2020-10-19. Review status: criteria provided, single submitter. Criteria: ACMG Guidelines, 2015. Collection method: clinical testing. Allele origin: germline. Inheritance: Autosomal recessive inheritance.
Comment: Based on the classification scheme VCGS_Germline_v1.3.3, this variant is classified as 3C-VUS. Following criteria are met: 0102 - Loss of function is a known mechanism of disease in this gene and is associated with polycystic kidney disease 4, with or without hepatic disease (MIM#263200). (I) 0106 - This gene is associated with autosomal recessive disease. (I) 0200 - Variant is predicted to result in a missense amino acid change from aspartic acid to asparagine. (I) 0251 - This variant is heterozygous. (I) 0304 - Variant is present in gnomAD <0.01 for a recessive condition (32 heterozygotes, 0 homozygotes). (SP) 0309 - Alternative amino acid changes at the same position have been observed in gnomAD (v2) (7 heterozygotes, 1 homozygote). (I) 0503 - Missense variant consistently predicted to be tolerated by multiple in silico tools or not conserved in placental mammals with a minor amino acid change. (SB) 0600 - Variant is located in the annotated atypical IPT/TIG 8 domain (PDB). (I) 0705 - No comparable missense variants have previous evidence for pathogenicity. (I) 0809 - Previous evidence of pathogenicity for this variant is inconclusive. This variant has been reported as VUS in ClinVar. (I) 0905 - No published segregation evidence has been identified for this variant. (I) 1007 - No published functional evidence has been identified for this variant. (I) 1102 - Strong phenotype match for this individual. (SP) 1208 - Inheritance information for this variant is not currently available in this individual. (I) Legend: (SP) - Supporting pathogenic, (I) - Information, (SB) - Supporting benign

Department of Pathology and Laboratory Medicine, Sinai Health System
Classification: Uncertain significance for Polycystic kidney disease 4. Last evaluated: 2019-09-27. Review status: criteria provided, single submitter. Criteria: ACMG Guidelines, 2015. Collection method: clinical testing. Allele origin: germline. Affected: no.

Eurofins Ntd Llc (ga)
Classification: Uncertain significance. Last evaluated: 2018-01-19. Review status: criteria provided, single submitter. Criteria: EGL Classification Definitions 2015. Collection method: clinical testing. Allele origin: germline. Observed: 3 variant alleles, 3 heterozygotes.

Illumina Laboratory Services, Illumina
Classification: Uncertain significance for Polycystic kidney disease 4. Last evaluated: 2018-01-13. Review status: criteria provided, single submitter. Criteria: ICSL Variant Classification Criteria 13 December 2019. Collection method: clinical testing. Allele origin: germline.

PreventionGenetics, part of Exact Sciences
Classification: Uncertain significance for PKHD1-related condition. Last evaluated: 2024-02-16. Review status: no assertion criteria provided. Collection method: clinical testing. Allele origin: germline. Not counted in ClinVar's aggregate classification.
Comment: The PKHD1 c.4009G>A variant is predicted to result in the amino acid substitution p.Asp1337Asn. This variant, along with a PKD1 missense variant, has been reported with uncertain significance in a an individual with autosomal dominant polycystic kidney disease; however, both variants were also reported in an unaffected family member (Table 1, Zhou L et al. 2022. PubMed ID: 36387797). This variant has also been reported with uncertain significance in the compound heterozygous state with another PKHD1 missense variant, in an individual who was later found to have a pathogenic EYA1 variant (Abstract# ACPN210331P47, Lin Z et al. 2021. PubMed ID: 34106318). This variant is reported in 0.10% of alleles in individuals of East Asian descent in gnomAD. Although we suspect that this variant may be benign, at this time, the clinical significance of this variant is uncertain due to the absence of conclusive functional and genetic evidence.

NM_138694.4(PKHD1):c.4009G>A (p.Asp1337Asn)

Gene: PKHD1 (PKHD1 ciliary IPT domain containing fibrocystin/polyductin; minus strand). Cytogenetic location: 6p12.2.
Variant type: single nucleotide variant.
Coding change: c.4009G>A on transcript NM_138694.4 (MANE Select); coding-DNA position 4009, G replaced by A.
Protein change: p.Asp1337Asn; replaces aspartic acid 1337 with asparagine.
Molecular consequence: missense variant.
Genome position (GRCh38, 1-based): chr6:52,025,801, C>T on the plus strand (G>A on the coding strand, the complement: PKHD1 is on the minus strand). VCF-style: chr6-52025801-C-T. GRCh37 (hg19) VCF-style: chr6-51890599-C-T.
Other names: c.4009G>A, p.Asp1337Asn (NM_170724.3); short protein forms D1337N.
Identifiers: ClinVar variation 288471 (VCV000288471.22), dbSNP rs373255125, ClinGen allele CA3852799.